The following is an entry in ClinVar:

NM_024529.5(CDC73):c.933_935delinsCAG (p.Met312Arg)

Gene: CDC73 (cell division cycle 73; plus strand). Cytogenetic location: 1q31.2.
Variant type: Indel.
Coding change: c.933_935delinsCAG on transcript NM_024529.5 (MANE Select); coding-DNA positions 933 to 935, TAT replaced by CAG.
Protein change: p.Met312Arg; replaces methionine 312 with arginine.
Molecular consequence: missense variant.
Genome position (GRCh38, 1-based): chr1:193,152,405-193,152,407, TAT replaced by CAG. VCF-style: chr1-193152405-TAT-CAG. GRCh37 (hg19) VCF-style: chr1-193121535-TAT-CAG.
Other names: short protein forms M312R.
Identifiers: ClinVar variation 4868352 (VCV004868352.1).

ClinVar aggregate classification (germline): Uncertain significance (1 of 4 stars; one submission).

Conditions:
Hereditary cancer-predisposing syndrome. Also called: Neoplastic Syndromes, Hereditary; Tumor predisposition; Hereditary Cancer Syndrome; Hereditary neoplastic syndrome. Identifiers: Orphanet 140162, MedGen C0027672, MeSH D009386, MONDO:0015356.

Submission:

Ambry Genetics
Classification: Uncertain significance for Hereditary cancer-predisposing syndrome. Last evaluated: 2026-03-27. Review status: criteria provided, single submitter. Criteria: Ambry Variant Classification Scheme 2023. Collection method: clinical testing. Allele origin: germline.
Comment: The c.933_935delTATinsCAG variant (also known as p.M312R), located in coding exon 10 of the CDC73 gene, results from an in-frame deletion of TAT and insertion of CAG at nucleotide positions 933 to 935. This results in the substitution of the methionine residue for an arginine residue at codon 312, an amino acid with similar properties. This amino acid position is highly conserved in available vertebrate species. In addition, the in silico prediction for this variant is inconclusive (Choi Y et al. PLoS ONE. 2012; 7(10):e46688). Based on the available evidence, the clinical significance of this variant remains unclear.